The following is an entry in ClinVar:

ClinVar aggregate classification (germline): Likely pathogenic (1 of 4 stars; one submission).

Conditions:
Marfan syndrome (MFS). Also called: FBN1-Related Marfan Syndrome; MARFAN SYNDROME, TYPE I; Marfan syndrome type 1; Marfan's syndrome; Marfan syndrome, classic. Identifiers: Orphanet 284963, Orphanet 558, MedGen C0024796, MONDO:0007947, OMIM 154700.

Submission:

CGC Genetics, Unilabs
Classification: Likely pathogenic for Marfan syndrome. Last evaluated: 2025-08-20. Review status: criteria provided, single submitter. Criteria: ACMG Guidelines, 2015. Collection method: clinical testing. Allele origin: germline. Inheritance: Autosomal dominant inheritance. Affected: yes. Observed: 1 variant allele.
Comment: The NM_000138.5:c.6506_6509dup p.(Cys2170*) variant, detected in heterozygosity in exon 54 (of 65) of the FBN1 gene (chr.15), is not described in the literature nor reported in the databases gnomAD and ClinVar. This is a frameshift variant that introduces a premature stop codon, which in turn is predicted to lead to the creation of a truncated protein and/or a reduction of its expression by mRNA degradation. Based on currently available information, this variant should be classified as likely pathogenic.

NM_000138.5(FBN1):c.6506_6509dup (p.Cys2170Ter)

Gene: FBN1 (fibrillin 1; minus strand). Cytogenetic location: 15q21.1.
Variant type: Duplication.
Coding change: c.6506_6509dup on transcript NM_000138.5 (MANE Select); coding-DNA positions 6506 to 6509, 4 bases duplicated (AATG; older notation c.6506_6509dupAATG).
Protein change: p.Cys2170Ter; replaces cysteine 2170 with a stop codon.
Molecular consequence: nonsense.
Genome position (GRCh38, 1-based): chr15:48,434,701-48,434,704, CATT duplicated on the plus strand (AATG on the coding strand, the reverse complement: FBN1 is on the minus strand); duplicating any 4 consecutive bases within chr15:48,434,701-48,434,707 gives the same sequence; the c. name uses the placement nearest the transcript's 3' end. VCF-style (leftmost placement, unchanged base first): chr15-48434700-A-ACATT. GRCh37 (hg19) VCF-style: chr15-48726897-A-ACATT.
Other names: c.6506_6509dup, p.Cys2170Ter (NM_001406716.1); short protein forms C2170*.
Identifiers: ClinVar variation 4851577 (VCV004851577.1).